The following is an entry in ClinVar:

NM_175914.5(HNF4A):c.826+79C>T

Gene: HNF4A (hepatocyte nuclear factor 4 alpha; plus strand). Cytogenetic location: 20q13.12.
Variant type: single nucleotide variant.
Coding change: c.826+79C>T on transcript NM_175914.5 (MANE Select); 79 bases into the intron after coding-DNA position 826, C replaced by T.
Molecular consequence: intron variant.
Genome position (GRCh38, 1-based): chr20:44,419,955, C>T. VCF-style: chr20-44419955-C-T. GRCh37 (hg19) VCF-style: chr20-43048595-C-T.
Other names: c.817+79C>T (NM_001287182.2, NM_001287183.2, NM_001287184.2); c.826+79C>T (NM_001030003.3, NM_001030004.3); c.871+79C>T (NM_001258355.2); c.892+79C>T (NM_178849.3, NM_000457.6, NM_178850.3).
Identifiers: ClinVar variation 447523 (VCV000447523.3), dbSNP rs773386088, ClinGen allele CA315411486.
Genomic context (GRCh38, chr20:44,419,955, plus strand): 5'-AAGCCATCCCTGACTCTCTCTCCAGAACGCTCTGCCAGACTTCTCCTATTGGGTTCTGTA[C>T]ACTGAGTTCACAGCCTCATCTCATGTTAACGACAGCCAGGAGAGGCCGTTTTCATTTAAC-3'

ClinVar aggregate classification (germline): Likely benign. Review status: reviewed by expert panel (3 of 4 stars). 3 submissions from 3 submitters: Likely benign (1). 2 of the submissions do not count toward it. Last evaluated 2024-12-02.

Conditions:
Monogenic diabetes. Identifiers: Orphanet 183625, MedGen C3888631, MONDO:0015967.
Maturity-onset diabetes of the young (MODY). Also called: Maturity onset diabetes mellitus in young. Identifiers: Orphanet 552, MedGen C0342276, MONDO:0018911, HP:0004904.

Allele frequency attached by ClinVar (database versions not stated): gnomAD 0.00006 and 0.00007; TOPMed 0.00008.
gnomAD v4.1: 130 of 1,378,514 alleles (0.0094%); highest among the groups gnomAD compares: Middle Eastern, 0.018%; no homozygotes.

Submissions (3):

ClinGen Monogenic Diabetes Variant Curation Expert Panel
Classification: Likely benign for Monogenic diabetes. Last evaluated: 2024-12-02. Review status: reviewed by expert panel. Criteria: ClinGen Diabetes ACMG Specifications HNF4A V2.0.0. Collection method: curation. Allele origin: germline. Inheritance: Autosomal dominant inheritance.
Comment: The c.826+79C>T variant in the hepatocyte nuclear factor 4-alpha gene, HNF4A, is a single nucleotide variant within intron 7 of NM_175914.5 . The computational splicing predictor SpliceAI gives a score of 0.00 for donor loss, suggesting that the variant has no impact on splicing (BP4). This variant is not covered in gnomAD v2.1.1 exomes and has a Grpmax Filtering allele frequency of 0.000068 in gnomAD v3.1.2, which is greater than the MDEP threshold for BS1 (greater than or equal to 0.000033)(BS1). In summary, c.826+79C>T meets the criteria to be classified as likely benign for monogenic diabetes. ACMG/AMP criteria applied, as specified by the ClinGen MDEP (specification version 2.0.0, approved 10/11/2023): BS1, BP4.

Athena Diagnostics
Classification: Uncertain significance. Last evaluated: 2017-07-06. Review status: criteria provided, single submitter. Criteria: Athena Diagnostics Criteria. Collection method: clinical testing. Allele origin: germline. Not counted in ClinVar's aggregate classification.

Clinical Genomics, Uppaluri K&H Personalized Medicine Clinic
Classification: Benign for Maturity-onset diabetes of the young. Review status: criteria provided, single submitter. Criteria: K & H Uppaluri Personalized Medicine Clinic Variant Classification & Assertion Criteria_Updated V.1. Collection method: research. Allele origin: unknown. Inheritance: Autosomal dominant inheritance. Not counted in ClinVar's aggregate classification.
Comment: Potent mutations in HNF4A are associated with poor insulin secretion in response to hyperglycemia. Associated with MODY1. Patients initially respond well to sulfonylureas but eventually become insulin dependent. However, more evidence is required to ascertain the role of this particular variant rs773386088 in MODY, yet.

Literature cited by the submitters: PubMed 18268044 (cited by Clinical Genomics, Uppaluri K&H Personalized Medicine Clinic); PubMed 17563455 (cited by Clinical Genomics, Uppaluri K&H Personalized Medicine Clinic); PubMed 32583173 (cited by Clinical Genomics, Uppaluri K&H Personalized Medicine Clinic); PubMed 35052457 (cited by Clinical Genomics, Uppaluri K&H Personalized Medicine Clinic); PubMed 35118593 (cited by Clinical Genomics, Uppaluri K&H Personalized Medicine Clinic); DOI 10.1159/000334532 (cited by Clinical Genomics, Uppaluri K&H Personalized Medicine Clinic).